The following is an entry in ClinVar:

NM_000207.2(INS):c.-187_-164del

Gene: INS (insulin; minus strand). Cytogenetic location: 11p15.5.
Variant type: Deletion.
Coding change: c.-187_-164del on transcript NM_000207.2; 187 bases upstream of the start codon through 164 bases upstream of the start codon, 24 bases deleted (TGCAGCCTCAGCCCCCAGCCATCT).
Genome position (GRCh38, 1-based): chr11:2,161,314-2,161,337, AGATGGCTGGGGGCTGAGGCTGCA deleted on the plus strand (TGCAGCCTCAGCCCCCAGCCATCT on the coding strand, the reverse complement: INS is on the minus strand); deleting any 24 consecutive bases within chr11:2,161,314-2,161,338 gives the same sequence; the c. name uses the placement nearest the transcript's 3' end. VCF-style (leftmost placement, unchanged base first): chr11-2161313-CAGATGGCTGGGGGCTGAGGCTGCA-C. GRCh37 (hg19) VCF-style: chr11-2182543-CAGATGGCTGGGGGCTGAGGCTGCA-C.
Other names: c.-366_-343del; c.-366_343del.
Identifiers: ClinVar variation 431441 (VCV000431441.7), dbSNP rs1135401727, ClinGen allele CA597088872.
Genomic context (GRCh38, chr11:2,161,313, plus strand): 5'-TCTCCCCTACCTCTCAACCCCTGCCGCCTGGCCCATTAGGGCCTGGGGTGGGGGGGTCGG[CAGATGGCTGGGGGCTGAGGCTGCA>C]ATTTCCGGACCATTTCCCTGGTGCTGGGTCTGTGGGAAGATCTCCTTGGTCGTCAGCACC-3'

ClinVar aggregate classification (germline): Uncertain significance. Review status: criteria provided, multiple submitters, no conflicts (2 of 4 stars). 4 submissions from 4 submitters: Uncertain significance (3). 1 of the submissions does not count toward it. Last evaluated 2021-06-08.

Conditions:
Diabetes mellitus, permanent neonatal 4. Also called: INS-Related Permanent Neonatal Diabetes Mellitus. Identifiers: MedGen C5394307, MONDO:0030089, OMIM 618858.
Permanent neonatal diabetes mellitus (PNDM). Identifiers: Orphanet 99885, MedGen C1833104, MONDO:0100164, MONDO:0011643. Disease mechanism: gain of function.

Submissions (4):

HudsonAlpha Institute for Biotechnology
Classification: Uncertain significance for Diabetes mellitus, permanent neonatal 4. Last evaluated: 2021-06-08. Review status: criteria provided, single submitter. Criteria: ACMG Guidelines, 2015. Collection method: research. Allele origin: maternal. Observed: 1 variant allele. Study: HudsonAlpha-AGHI-WGS.
Comment: ACMG codes:PM1, PM2

Blueprint Genetics
Classification: Uncertain significance. Last evaluated: 2020-04-01. Review status: criteria provided, single submitter. Criteria: ACMG Guidelines, 2015. Collection method: clinical testing. Allele origin: germline.

Clinical Genomics, Uppaluri K&H Personalized Medicine Clinic
Classification: Uncertain significance for Diabetes mellitus, permanent neonatal 4. Review status: criteria provided, single submitter. Criteria: K &amp; H Uppaluri Personalized Medicine Clinic Variant Classification &amp; Assertion Criteria_Updated V.1. Collection method: research. Allele origin: unknown. Inheritance: Autosomal dominant inheritance.
Comment: Potent mutations in the INS gene can cause early onset diabetes mellitus which is insulin dependent. May have poor response to sulfonylureas, mutations in this gene can cause beta cell destruction.However, more evidence is required to confer the association of this particular variant c.-366_343del/ rs1135401727 with Permanent neonatal diabetes mellitus(PNDM).

GeneReviews
No classification provided. Condition: Permanent neonatal diabetes mellitus. Review status: no classification provided. Collection method: literature only. Allele origin: germline. Not counted in ClinVar's aggregate classification.

Literature cited by the submitters: PubMed 20938745 (cited by Clinical Genomics, Uppaluri K&H Personalized Medicine Clinic and GeneReviews); PubMed 20133622 (cited by GeneReviews); NCBI Bookshelf NBK1447 (cited by GeneReviews).